The following is an entry in ClinVar:

ClinVar aggregate classification (germline): Uncertain significance (1 of 4 stars; one submission).

Allele frequency attached by ClinVar (database versions not stated): gnomAD exomes below 0.00001; TOPMed 0.00001.
gnomAD v4.1: 3 of 1,613,788 alleles (0.00019%); highest among the groups gnomAD compares: Non-Finnish European, 0.00025%; no homozygotes.

Submission:

GeneDx
Classification: Uncertain significance. Last evaluated: 2023-03-29. Review status: criteria provided, single submitter. Criteria: GeneDx Variant Classification Process June 2021. Collection method: clinical testing. Allele origin: germline. Affected: yes.
Comment: Not observed at significant frequency in large population cohorts (gnomAD); In silico analysis supports that this missense variant has a deleterious effect on protein structure/function; Has not been previously published as pathogenic or benign to our knowledge

NM_020822.3(KCNT1):c.280G>A (p.Glu94Lys)

Gene: KCNT1 (potassium sodium-activated channel subfamily T member 1; plus strand). Cytogenetic location: 9q34.3.
Variant type: single nucleotide variant.
Coding change: c.280G>A on transcript NM_020822.3 (MANE Select); coding-DNA position 280, G replaced by A.
Protein change: p.Glu94Lys; replaces glutamic acid 94 with lysine.
Molecular consequence: missense variant.
Genome position (GRCh38, 1-based): chr9:135,750,123, G>A. VCF-style: chr9-135750123-G-A. GRCh37 (hg19) VCF-style: chr9-138641969-G-A.
Other names: c.136G>A, p.Glu46Lys (NM_001272003.2); short protein forms E46K, E94K.
Identifiers: ClinVar variation 2581909 (VCV002581909.1), dbSNP rs1831065611, ClinGen allele CA375494739.